The following is an entry in ClinVar:

NM_001198533.2(OXR1):c.2499G>A (p.Ala833=)

Gene: OXR1 (oxidation resistance 1; plus strand). Cytogenetic location: 8q23.1.
Variant type: single nucleotide variant.
Coding change: c.2499G>A on transcript NM_001198533.2 (MANE Select); coding-DNA position 2499, G replaced by A.
Protein change: p.Ala833=; no amino-acid change (alanine 833 retained).
Molecular consequence: synonymous variant.
Genome position (GRCh38, 1-based): chr8:106,750,818, G>A. VCF-style: chr8-106750818-G-A. GRCh37 (hg19) VCF-style: chr8-107763046-G-A.
Other names: c.2502G>A, p.Ala834= (NM_001198532.1); c.609G>A, p.Ala203= (NM_001198534.1); c.528G>A, p.Ala176= (NM_001198535.1); c.2418G>A, p.Ala806= (NM_018002.3); c.2397G>A, p.Ala799= (NM_181354.4).
Identifiers: ClinVar variation 4681642 (VCV004681642.5).

ClinVar aggregate classification (germline): Likely benign (1 of 4 stars; one submission).

gnomAD v4.1: 58 of 1,599,134 alleles (0.0036%); highest among the groups gnomAD compares: Admixed American, 0.037%; no homozygotes.

Submission:

CeGaT Center for Human Genetics Tuebingen
Classification: Likely benign. Last evaluated: 2025-12-01. Review status: criteria provided, single submitter. Criteria: CeGaT Center For Human Genetics Tuebingen Variant Classification Criteria Version 2. Collection method: clinical testing. Allele origin: germline. Affected: yes. Observed: 1 variant allele.
Comment: OXR1: BP4, BP7